The following is an entry in ClinVar:

ClinVar aggregate classification (germline): Conflicting classifications of pathogenicity. Review status: criteria provided, conflicting classifications (1 of 4 stars). 4 submissions from 4 submitters: Uncertain significance (3); Likely benign (1). Last evaluated 2026-05-01.

Conditions:
KBG syndrome (KBGS). Also called: ANKRD11-Related KBG Syndrome. Identifiers: Orphanet 2332, MedGen C0220687, MONDO:0007846, OMIM 148050.
Inborn genetic diseases. Identifiers: MedGen C0950123, MeSH D030342.
ANKRD11-related disorder. Also called: ANKRD11-related condition.

Submissions (4):

CeGaT Center for Human Genetics Tuebingen
Classification: Uncertain significance. Last evaluated: 2026-05-01. Review status: criteria provided, single submitter. Criteria: CeGaT Center For Human Genetics Tuebingen Variant Classification Criteria Version 2. Collection method: clinical testing. Allele origin: germline. Affected: yes. Observed: 1 variant allele.
Comment: ANKRD11: PM2, BP4

Ambry Genetics
Classification: Likely benign for Inborn genetic diseases. Last evaluated: 2025-03-03. Review status: criteria provided, single submitter. Criteria: Ambry Variant Classification Scheme 2023. Collection method: clinical testing. Allele origin: germline.

Labcorp Genetics (formerly Invitae), Labcorp
Classification: Uncertain significance for KBG syndrome. Last evaluated: 2024-10-14. Review status: criteria provided, single submitter. Criteria: Invitae Variant Classification Sherloc (09022015). Collection method: clinical testing. Allele origin: germline.
Comment: This sequence change replaces alanine, which is neutral and non-polar, with valine, which is neutral and non-polar, at codon 2301 of the ANKRD11 protein (p.Ala2301Val). This variant is not present in population databases (gnomAD no frequency). This variant has not been reported in the literature in individuals affected with ANKRD11-related conditions. ClinVar contains an entry for this variant (Variation ID: 2628793). Invitae Evidence Modeling of protein sequence and biophysical properties (such as structural, functional, and spatial information, amino acid conservation, physicochemical variation, residue mobility, and thermodynamic stability) indicates that this missense variant is not expected to disrupt ANKRD11 protein function with a negative predictive value of 95%. In summary, the available evidence is currently insufficient to determine the role of this variant in disease. Therefore, it has been classified as a Variant of Uncertain Significance.

PreventionGenetics, part of Exact Sciences
Classification: Uncertain significance for ANKRD11-related condition. Last evaluated: 2022-12-15. Review status: criteria provided, single submitter. Criteria: ACMG Guidelines, 2015. Collection method: clinical testing. Allele origin: germline.
Comment: The ANKRD11 c.6902C>T variant is predicted to result in the amino acid substitution p.Ala2301Val. To our knowledge, this variant has not been reported in the literature or in a large population database, indicating this variant is rare. At this time, the clinical significance of this variant is uncertain due to the absence of conclusive functional and genetic evidence.

NM_013275.6(ANKRD11):c.6902C>T (p.Ala2301Val)

Gene: ANKRD11 (ankyrin repeat domain 11; minus strand). Cytogenetic location: 16q24.3.
Variant type: single nucleotide variant.
Coding change: c.6902C>T on transcript NM_013275.6 (MANE Select); coding-DNA position 6902, C replaced by T.
Protein change: p.Ala2301Val; replaces alanine 2301 with valine.
Molecular consequence: missense variant.
Genome position (GRCh38, 1-based): chr16:89,279,640, G>A on the plus strand (C>T on the coding strand, the complement: ANKRD11 is on the minus strand). VCF-style: chr16-89279640-G-A. GRCh37 (hg19) VCF-style: chr16-89346048-G-A.
Other names: c.6902C>T (NM_013275.4); c.6902C>T, p.Ala2301Val (NM_001256182.2, NM_001256183.2); short protein forms A2301V.
Identifiers: ClinVar variation 2628793 (VCV002628793.8), dbSNP rs1456207017, ClinGen allele CA397149744.